The following is an entry in ClinVar:

ClinVar aggregate classification (germline): Uncertain significance (1 of 4 stars; one submission).

Conditions:
Hereditary nonpolyposis colorectal neoplasms. Identifiers: MedGen C0009405, MeSH D003123.

Submission:

Labcorp Genetics (formerly Invitae), Labcorp
Classification: Uncertain significance for Hereditary nonpolyposis colorectal neoplasms. Last evaluated: 2025-08-26. Review status: criteria provided, single submitter. Criteria: Invitae Variant Classification Sherloc (09022015). Collection method: clinical testing. Allele origin: germline.
Comment: This sequence change replaces glutamic acid, which is acidic and polar, with valine, which is neutral and non-polar, at codon 1052 of the MSH6 protein (p.Glu1052Val). This variant is not present in population databases (gnomAD no frequency). This variant has not been reported in the literature in individuals affected with MSH6-related conditions. Invitae Evidence Modeling of protein sequence and biophysical properties (such as structural, functional, and spatial information, amino acid conservation, physicochemical variation, residue mobility, and thermodynamic stability) indicates that this missense variant is not expected to disrupt MSH6 protein function with a negative predictive value of 95%. In summary, the available evidence is currently insufficient to determine the role of this variant in disease. Therefore, it has been classified as a Variant of Uncertain Significance.

NM_000179.3(MSH6):c.3155A>T (p.Glu1052Val)

Gene: MSH6 (mutS homolog 6; plus strand). Cytogenetic location: 2p16.3.
Variant type: single nucleotide variant.
Coding change: c.3155A>T on transcript NM_000179.3 (MANE Select); coding-DNA position 3155, A replaced by T.
Protein change: p.Glu1052Val; replaces glutamic acid 1052 with valine.
Molecular consequence: missense variant. On other transcripts: non-coding transcript variant (5), intron variant (2).
Genome position (GRCh38, 1-based): chr2:47,801,138, A>T. VCF-style: chr2-47801138-A-T. GRCh37 (hg19) VCF-style: chr2-48028277-A-T.
Other names: c.2765A>T, p.Glu922Val (NM_001281492.2); c.2249A>T, p.Glu750Val (NM_001281493.2, NM_001281494.2, NM_001406811.1 and 6 more transcripts); c.3251A>T, p.Glu1084Val (NM_001406795.1, NM_001406802.1); c.3155A>T, p.Glu1052Val (NM_001406796.1, NM_001406798.1, NM_001406800.1 and 2 more transcripts); c.2858A>T, p.Glu953Val (NM_001406797.1, NM_001406801.1, NM_001406805.1 and 10 more transcripts); c.2630A>T, p.Glu877Val (NM_001406799.1, NM_001406806.1, NM_001406807.1); c.3077A>T, p.Glu1026Val (NM_001406804.1); c.3161A>T, p.Glu1054Val (NM_001406813.1); and 4 more; short protein forms E1026V, E1052V, E1054V, E1084V, E367V, E750V, E877V, E922V.
Identifiers: ClinVar variation 4800224 (VCV004800224.1).